The following is an entry in ClinVar:

ClinVar aggregate classification (germline): Uncertain significance (1 of 4 stars; one submission).

Allele frequency attached by ClinVar (database versions not stated): gnomAD exomes below 0.00001; gnomAD 0.00001; TOPMed 0.00002.
gnomAD v4.1: 9 of 1,613,942 alleles (0.00056%); highest among the groups gnomAD compares: African/African-American, 0.0067%; no homozygotes.

Submission:

Labcorp Genetics (formerly Invitae), Labcorp
Classification: Uncertain significance. Last evaluated: 2024-02-19. Review status: criteria provided, single submitter. Criteria: Invitae Variant Classification Sherloc (09022015). Collection method: clinical testing. Allele origin: germline.
Comment: This sequence change replaces tyrosine, which is neutral and polar, with cysteine, which is neutral and slightly polar, at codon 190 of the PCARE protein (p.Tyr190Cys). This variant is not present in population databases (gnomAD no frequency). This variant has not been reported in the literature in individuals affected with PCARE-related conditions. ClinVar contains an entry for this variant (Variation ID: 1942115). An algorithm developed to predict the effect of missense changes on protein structure and function (PolyPhen-2) suggests that this variant is likely to be disruptive. In summary, the available evidence is currently insufficient to determine the role of this variant in disease. Therefore, it has been classified as a Variant of Uncertain Significance.

NM_001029883.3(PCARE):c.569A>G (p.Tyr190Cys)

Gene: PCARE (photoreceptor cilium actin regulator; minus strand). Cytogenetic location: 2p23.2.
Variant type: single nucleotide variant.
Coding change: c.569A>G on transcript NM_001029883.3 (MANE Select); coding-DNA position 569, A replaced by G.
Protein change: p.Tyr190Cys; replaces tyrosine 190 with cysteine.
Molecular consequence: missense variant.
Genome position (GRCh38, 1-based): chr2:29,073,693, T>C on the plus strand (A>G on the coding strand, the complement: PCARE is on the minus strand). VCF-style: chr2-29073693-T-C. GRCh37 (hg19) VCF-style: chr2-29296559-T-C.
Other names: short protein forms Y190C.
Identifiers: ClinVar variation 1942115 (VCV001942115.5), dbSNP rs1015216953, ClinGen allele CA44643909.